The following is an entry in ClinVar:

ClinVar aggregate classification (germline): Uncertain significance (1 of 4 stars; one submission).

Conditions:
Idiopathic generalized epilepsy. Also called: Generalised epilepsy; EIG. Identifiers: MedGen C0270850, MONDO:0005579, OMIM 600669.

Allele frequency attached by ClinVar (database versions not stated): ExAC 0.00001; gnomAD exomes 0.00001.
gnomAD v4.1: 2 of 1,613,866 alleles (0.00012%); highest among the groups gnomAD compares: Non-Finnish European, 0.00017%; no homozygotes.

Submission:

Labcorp Genetics (formerly Invitae), Labcorp
Classification: Uncertain significance for Idiopathic generalized epilepsy. Last evaluated: 2021-02-15. Review status: criteria provided, single submitter. Criteria: Invitae Variant Classification Sherloc (09022015). Collection method: clinical testing. Allele origin: germline.
Comment: In summary, the available evidence is currently insufficient to determine the role of this variant in disease. Therefore, it has been classified as a Variant of Uncertain Significance. Algorithms developed to predict the effect of missense changes on protein structure and function are either unavailable or do not agree on the potential impact of this missense change (SIFT: "Tolerated"; PolyPhen-2: "Probably Damaging"; Align-GVGD: "Class C0"). This variant has not been reported in the literature in individuals with RBFOX1-related disease. This variant is present in population databases (rs759616730, ExAC 0.001%). This sequence change replaces tyrosine with phenylalanine at codon 12 of the RBFOX1 protein (p.Tyr12Phe). The tyrosine residue is weakly conserved and there is a small physicochemical difference between tyrosine and phenylalanine.

NM_145893.3(RBFOX1):c.35A>T (p.Tyr12Phe)

Gene: RBFOX1 (RNA binding fox-1 homolog 1; plus strand). Cytogenetic location: 16p13.3.
Variant type: single nucleotide variant.
Coding change: c.35A>T on transcript NM_145893.3 (MANE Plus Clinical); coding-DNA position 35, A replaced by T.
Protein change: p.Tyr12Phe; replaces tyrosine 12 with phenylalanine.
Molecular consequence: missense variant. On other transcripts: intron variant (5).
Genome position (GRCh38, 1-based): chr16:7,333,036, A>T. VCF-style: chr16-7333036-A-T. GRCh37 (hg19) VCF-style: chr16-7383037-A-T.
Other names: c.35A>T, p.Tyr12Phe (NM_145891.3, NM_145892.3); c.28-185111A>T (NM_001364800.2, NM_018723.4, NM_001142333.2 and 1 more transcripts); c.157-185111A>T (NM_001308117.1); short protein forms Y12F.
Identifiers: ClinVar variation 656133 (VCV000656133.9), dbSNP rs759616730, ClinGen allele CA7891224.